The following is an entry in ClinVar:

NC_012920.1(MT-ND3):m.10146T>C

Gene: MT-ND3 (mitochondrially encoded NADH dehydrogenase 3; plus strand).
Variant type: single nucleotide variant.
Genome position: chrM-10146-T-C.
Identifiers: ClinVar variation 693266 (VCV000693266.1), dbSNP rs1603222696, ClinGen allele CA414804369.

ClinVar aggregate classification (germline): Uncertain significance (1 of 4 stars; one submission).

Conditions:
Leigh syndrome (NULS). Also called: Leigh's necrotizing encephalopathy; Leigh's disease; Leigh Syndrome (mtDNA deletion); Leigh Disease; Subacute necrotizing encephalopathy; Necrotizing encephalopathy infantile subacute of Leigh. Identifiers: Orphanet 506, MedGen C2931891, MONDO:0009723, OMIM 256000.

Submission:

Wong Mito Lab, Molecular and Human Genetics, Baylor College of Medicine
Classification: Uncertain significance for Leigh syndrome. Last evaluated: 2019-10-17. Review status: criteria provided, single submitter. Criteria: Modified ACMG Guidelines (Unpublished). Collection method: clinical testing. Allele origin: germline.
Comment: The NC_012920.1:m.10146T>C (YP_003024033.1:p.Tyr30His) variant in MTND3 gene is interpretated to be a Uncertain Significance variant based on the modified ACMG guidelines (unpublished). This variant meets the following evidence codes: PP7